The following is an entry in ClinVar:

ClinVar aggregate classification (germline): Uncertain significance (1 of 4 stars; one submission).

Conditions:
Developmental and epileptic encephalopathy, 1 (DEE1). Also called: X-linked infantile spasms; West's syndrome; Tonic spasms with clustering, arrest of psychomotor development and hypsarrhythmia on EEG; X-Linked Infantile Spasm Syndrome; OHTAHARA SYNDROME, X-LINKED; Epileptic encephalopathy, early infantile, 1. Identifiers: MedGen C3463992, MONDO:0010632, OMIM 308350. Disease mechanism: loss of function.
Autosomal recessive spinocerebellar ataxia 12. Also called: SPINOCEREBELLAR ATAXIA WITH MENTAL RETARDATION AND EPILEPSY. Identifiers: Orphanet 284282, MedGen C3280452, MONDO:0013687, OMIM 614322.

Allele frequency attached by ClinVar (database versions not stated): gnomAD 0.00001.
gnomAD v4.1: 2 of 1,614,022 alleles (0.00012%); highest among the groups gnomAD compares: African/African-American, 0.0027%; no homozygotes.

Submission:

Labcorp Genetics (formerly Invitae), Labcorp
Classification: Uncertain significance for Developmental and epileptic encephalopathy, 1; Autosomal recessive spinocerebellar ataxia 12. Last evaluated: 2022-03-19. Review status: criteria provided, single submitter. Criteria: Invitae Variant Classification Sherloc (09022015). Collection method: clinical testing. Allele origin: germline.
Comment: This sequence change replaces histidine, which is basic and polar, with leucine, which is neutral and non-polar, at codon 233 of the WWOX protein (p.His233Leu). This variant is present in population databases (no rsID available, gnomAD 0.01%). This variant has not been reported in the literature in individuals affected with WWOX-related conditions. Algorithms developed to predict the effect of missense changes on protein structure and function are either unavailable or do not agree on the potential impact of this missense change (SIFT: "Not Available"; PolyPhen-2: "Probably Damaging"; Align-GVGD: "Not Available"). In summary, the available evidence is currently insufficient to determine the role of this variant in disease. Therefore, it has been classified as a Variant of Uncertain Significance.

NM_016373.4(WWOX):c.698A>T (p.His233Leu)

Gene: WWOX (WW domain containing oxidoreductase; plus strand). Cytogenetic location: 16q23.1.
Variant type: single nucleotide variant.
Coding change: c.698A>T on transcript NM_016373.4 (MANE Select); coding-DNA position 698, A replaced by T.
Protein change: p.His233Leu; replaces histidine 233 with leucine.
Molecular consequence: missense variant.
Genome position (GRCh38, 1-based): chr16:78,424,962, A>T. VCF-style: chr16-78424962-A-T. GRCh37 (hg19) VCF-style: chr16-78458859-A-T.
Other names: c.359A>T, p.His120Leu (NM_001291997.2); short protein forms H120L, H233L.
Identifiers: ClinVar variation 1510778 (VCV001510778.5), dbSNP rs1266205670, ClinGen allele CA396842842.